The following is an entry in ClinVar:

ClinVar aggregate classification (germline): Uncertain significance (1 of 4 stars; one submission).

Conditions:
Cornelia de Lange syndrome 1 (CDLS1). Also called: Brachmann de Lange syndrome; NIPBL-Related Cornelia de Lange Syndrome; TYPUS DEGENERATIVUS AMSTELODAMENSIS. Identifiers: Orphanet 199, MedGen C4551851, MONDO:0007387, OMIM 122470.

Allele frequency attached by ClinVar (database versions not stated): TOPMed below 0.00001.

Submission:

Labcorp Genetics (formerly Invitae), Labcorp
Classification: Uncertain significance for Cornelia de Lange syndrome 1. Last evaluated: 2024-01-09. Review status: criteria provided, single submitter. Criteria: Invitae Variant Classification Sherloc (09022015). Collection method: clinical testing. Allele origin: germline.
Comment: This sequence change replaces aspartic acid, which is acidic and polar, with glutamic acid, which is acidic and polar, at codon 1153 of the NIPBL protein (p.Asp1153Glu). This variant is not present in population databases (gnomAD no frequency). This variant has not been reported in the literature in individuals affected with NIPBL-related conditions. Advanced modeling of protein sequence and biophysical properties (such as structural, functional, and spatial information, amino acid conservation, physicochemical variation, residue mobility, and thermodynamic stability) has been performed at Invitae for this missense variant, however the output from this modeling did not meet the statistical confidence thresholds required to predict the impact of this variant on NIPBL protein function. In summary, the available evidence is currently insufficient to determine the role of this variant in disease. Therefore, it has been classified as a Variant of Uncertain Significance.

NM_133433.4(NIPBL):c.3459T>G (p.Asp1153Glu)

Gene: NIPBL (NIPBL cohesin loading factor; plus strand). Cytogenetic location: 5p13.2.
Variant type: single nucleotide variant.
Coding change: c.3459T>G on transcript NM_133433.4 (MANE Select); coding-DNA position 3459, T replaced by G.
Protein change: p.Asp1153Glu; replaces aspartic acid 1153 with glutamic acid.
Molecular consequence: missense variant.
Genome position (GRCh38, 1-based): chr5:37,000,527, T>G. VCF-style: chr5-37000527-T-G. GRCh37 (hg19) VCF-style: chr5-37000629-T-G.
Other names: c.3459T>G, p.Asp1153Glu (NM_015384.5); short protein forms D1153E.
Identifiers: ClinVar variation 2866363 (VCV002866363.3), dbSNP rs1292447603, ClinGen allele CA359517929.
Genomic context (GRCh38, chr5:37,000,527, plus strand): 5'-CTCTCATGAAGGAAGAAGGAGTTCAGGTGGTGGTCGTTATCGAAACCGAAGTCCGTCAGA[T>G]TCTGACATGGAAGATTATTCTCCTCCTCCCAGCCTTAGTGAGGGTAATTCATCAGTGTCA-3'
Protein context (NP_597677.2, residues 1143-1163): GGRYRNRSPS[Asp1153Glu]SDMEDYSPPP